The following is an entry in ClinVar:

ClinVar aggregate classification (germline): Pathogenic. Review status: criteria provided, multiple submitters, no conflicts (2 of 4 stars). 4 submissions from 4 submitters: Pathogenic (3). 1 of the submissions does not count toward it. Last evaluated 2023-08-29.

Conditions:
TTN-related myopathy. Identifiers: MedGen CN294812, MONDO:0100175.
Autosomal recessive limb-girdle muscular dystrophy type 2J (LGMDR10). Also called: Limb-girdle muscular dystrophy, type 2J; MUSCULAR DYSTROPHY, LIMB-GIRDLE, AUTOSOMAL RECESSIVE 10. Identifiers: Orphanet 140922, MedGen C1837342, MONDO:0012127, OMIM 608807.
CAP-congenital myopathy with arthrogryposis multiplex congenita without heart involvement.

Submissions (4):

GeneDx
Classification: Pathogenic. Last evaluated: 2023-08-29. Review status: criteria provided, single submitter. Criteria: GeneDx Variant Classification Process June 2021. Collection method: clinical testing. Allele origin: germline. Affected: yes.
Comment: Frameshift variant predicted to result in protein truncation or nonsense mediated decay in a gene for which loss of function is a known mechanism of disease; Located in a region of TTN in which the majority of pathogenic variants have been reported in association with autosomal recessive titinopathies (Fernandez-Marmiesse et al., 2017; Chervinsky et al., 2018; Bryen, et al., 2020; Savarese et al., 2020); Identified in patients with congenital myopathy who have additional TTN variants (Natera-de Benito et al., 2021); Not observed at significant frequency in large population cohorts (gnomAD); This variant is associated with the following publications: (PMID: 35628876, 32778822, 28040389, 29575618, 31660661, 33333461)

3billion
Classification: Pathogenic for Autosomal recessive limb-girdle muscular dystrophy type 2J. Last evaluated: 2023-08-04. Review status: criteria provided, single submitter. Criteria: ACMG Guidelines, 2015. Collection method: clinical testing. Allele origin: germline. Affected: yes.
Comment: The variant is not observed in the gnomAD v2.1.1 dataset. Predicted Consequence/Location: Frameshift: predicted to result in a loss or disruption of normal protein function through nonsense-mediated decay (NMD) or protein truncation. Multiple pathogenic variants are reported downstream of the variant. The variant has been reported to be associated with TTN related disorder (ClinVar ID: VCV000226126). Therefore, this variant is classified as Pathogenic according to the recommendation of ACMG/AMP guideline.

Broad Center for Mendelian Genomics, Broad Institute of MIT and Harvard
Classification: Pathogenic for TTN-related myopathy. Last evaluated: 2023-05-01. Review status: criteria provided, single submitter. Criteria: ACMG Guidelines, 2015. Collection method: curation. Allele origin: germline. Inheritance: Autosomal recessive inheritance.
Comment: The heterozygous p.Lys12887AsnfsTer6 variant in TTN was identified by our study, in the compound heterozygous state with a pathogenic variant (ClinVar Variation ID: 1027852), in two siblings with congenital myopathy. Familial exome analysis showed that this variant was in trans with a pathogenic variant (ClinVar Variation ID: 1027852). The p.Lys12887AsnfsTer6 variant in TTN has been previously reported in one individual with autosomal recessive titin-associated myopathy (PMID: 28040389), but has been identified in 0.0008% (2/264690) of chromosomes in TopMed. Although this variant has been seen in the general population in a heterozygous state, its frequency is low enough to be consistent with a recessive carrier frequency. This variant has also been reported in ClinVar (Variation ID: 226126) and has been classified as likely pathogenic by NeuroMeGen,Hospital Clinico Santiago de Compostela. The one affected individual previously reported was homozygous for the variant (PMID: 28040389), which increases the likelihood that the p.Lys12887AsnfsTer6 variant is pathogenic. This variant is predicted to cause a frameshift, which alters the protein‚Äôs amino acid sequence beginning at position 12887 and leads to a premature termination codon 6 amino acids downstream. This alteration is then predicted to lead to a truncated or absent protein. Loss of function of the TTN gene is an established disease mechanism in autosomal recessive titin-associated myopathy. In summary, this variant meets criteria to be classified as pathogenic for autosomal recessive titin-associated myopathy. ACMG/AMP Criteria applied: PVS1, PM2_Supporting, PM3_Supporting (Richards 2015).

NeuroMeGen, Hospital Clinico Santiago de Compostela
Classification: Likely pathogenic for CAP-congenital myopathy with arthrogryposis multiplex congenita without heart involvement. Review status: no assertion criteria provided. Criteria: ACMG Guidelines, 2015. Collection method: clinical testing. Allele origin: inherited. Affected: yes. Not counted in ClinVar's aggregate classification.

NM_001267550.2(TTN):c.38661_38665del (p.Lys12887fs)

Gene: TTN (titin; minus strand). Cytogenetic location: 2q31.2.
Variant type: Microsatellite.
Coding change: c.38661_38665del on transcript NM_001267550.2 (MANE Select); coding-DNA positions 38661 to 38665, 5 bases deleted (GAAAA; older notation c.38661_38665delGAAAA).
Protein change: p.Lys12887fs; shifts the reading frame from lysine 12887.
Molecular consequence: frameshift variant. On other transcripts: intron variant (5).
Genome position (GRCh38, 1-based): chr2:178,653,469-178,653,473, TTTTC deleted on the plus strand (GAAAA on the coding strand, the reverse complement: TTN is on the minus strand); deleting any 5 consecutive bases within chr2:178,653,469-178,653,479 gives the same sequence; the c. name uses the placement nearest the transcript's 3' end. VCF-style (leftmost placement, unchanged base first): chr2-178653468-GTTTTC-G. GRCh37 (hg19) VCF-style: chr2-179518195-GTTTTC-G.
Other names: NM_001267550.2(TTN):c.38661_38665del; p.Lys12887fs; c.13283-11156_13283-11152del (NM_003319.4); c.13859-11156_13859-11152del (NM_133437.4); c.13658-11156_13658-11152del (NM_133432.3); c.31742-932_31742-928del (NM_133378.4); c.34523-932_34523-928del (NM_001256850.1); c.38661_38665delGAAAA (NM_001267550.2); and 1 more; short protein forms K12887fs.
Identifiers: ClinVar variation 226126 (VCV000226126.4), dbSNP rs1553775212, ClinGen allele CA10576258.